The following is an entry in ClinVar:

NM_001164508.2(NEB):c.11579del (p.Lys3860fs)

Gene: NEB (nebulin; minus strand). Cytogenetic location: 2q23.3.
Variant type: Deletion.
Coding change: c.11579del on transcript NM_001164508.2 (MANE Select); coding-DNA position 11579, one base deleted (A; older notation c.11579delA).
Protein change: p.Lys3860fs; shifts the reading frame from lysine 3860.
Molecular consequence: frameshift variant.
Genome position (GRCh38, 1-based): chr2:151,614,298, T deleted on the plus strand (A on the coding strand, the reverse complement: NEB is on the minus strand); the first of 2 consecutive T bases (chr2:151,614,298-151,614,299); deleting either gives the same sequence. VCF-style (leftmost placement, unchanged base first): chr2-151614297-CT-C. GRCh37 (hg19) VCF-style: chr2-152470811-CT-C.
Other names: c.11579del, p.Lys3860fs (NM_001164507.2, NM_001271208.2); c.10850del, p.Lys3617fs (NM_004543.5); short protein forms K3617fs, K3860fs.
Identifiers: ClinVar variation 5011682 (VCV005011682.1).

ClinVar aggregate classification (germline): Pathogenic (1 of 4 stars; one submission).

Conditions:
Nemaline myopathy 2 (NEM2). Also called: Nemaline myopathy 2, autosomal recessive. Identifiers: MedGen C1850569, MONDO:0009725, OMIM 256030.

Submission:

Myriad Genetics, Inc.
Classification: Pathogenic for Nemaline myopathy 2. Last evaluated: 2023-09-16. Review status: criteria provided, single submitter. Criteria: Myriad Autosomal Dominant, Autosomal Recessive and X-Linked Classification Criteria (2023). Collection method: clinical testing. Allele origin: unknown.
Comment: NM_001271208.1(NEB):c.11579delA(K3860Rfs*18) is expected to be pathogenic in the context of NEB-related nemaline myopathy. This variant is predicted to lead to an abnormal or absent protein product due to the creation of a premature termination codon in NEB, a gene where loss-of-function variants are known to be pathogenic. Please note: this variant was assessed in the context of healthy population screening.